The following is an entry in ClinVar:

ClinVar aggregate classification (germline): Uncertain significance (1 of 4 stars; one submission).

Conditions:
Axenfeld-Rieger syndrome type 3 (RIEG3). Also called: AXENFELD-RIEGER ANOMALY WITH CARDIAC DEFECTS AND/OR SENSORINEURAL HEARING LOSS. Identifiers: Orphanet 782, MedGen C2678503, MONDO:0011233, OMIM 602482.

gnomAD v4.1: 6 of 1,365,916 alleles (0.00044%); highest among the groups gnomAD compares: East Asian, 0.0034%; no homozygotes.

Submission:

Labcorp Genetics (formerly Invitae), Labcorp
Classification: Uncertain significance for Axenfeld-Rieger syndrome type 3. Last evaluated: 2025-06-10. Review status: criteria provided, single submitter. Criteria: Invitae Variant Classification Sherloc (09022015). Collection method: clinical testing. Allele origin: germline.
Comment: This sequence change affects codon 355 of the FOXC1 mRNA. It is a 'silent' change, meaning that it does not change the encoded amino acid sequence of the FOXC1 protein. The frequency data for this variant in the population databases is considered unreliable, as metrics indicate poor data quality at this position in the gnomAD database. This variant has not been reported in the literature in individuals affected with FOXC1-related conditions. In summary, the available evidence is currently insufficient to determine the role of this variant in disease. Therefore, it has been classified as a Variant of Uncertain Significance.

NM_001453.3(FOXC1):c.1065C>T (p.Pro355=)

Gene: FOXC1 (forkhead box C1; plus strand). Cytogenetic location: 6p25.3.
Variant type: single nucleotide variant.
Coding change: c.1065C>T on transcript NM_001453.3 (MANE Select); coding-DNA position 1065, C replaced by T.
Protein change: p.Pro355=; no amino-acid change (proline 355 retained).
Molecular consequence: synonymous variant.
Genome position (GRCh38, 1-based): chr6:1,611,510, C>T. VCF-style: chr6-1611510-C-T. GRCh37 (hg19) VCF-style: chr6-1611745-C-T.
Identifiers: ClinVar variation 4753875 (VCV004753875.1).